The following is an entry in ClinVar:

ClinVar aggregate classification (germline): Likely benign (1 of 4 stars; one submission).

Allele frequency attached by ClinVar (database versions not stated): TOPMed 0.00003; gnomAD exomes 0.00004; gnomAD 0.00005.
gnomAD v4.1: 58 of 1,550,664 alleles (0.0037%); highest among the groups gnomAD compares: African/African-American, 0.0069%; no homozygotes.

Submission:

CeGaT Center for Human Genetics Tuebingen
Classification: Likely benign. Last evaluated: 2023-11-01. Review status: criteria provided, single submitter. Criteria: CeGaT Center For Human Genetics Tuebingen Variant Classification Criteria Version 2. Collection method: clinical testing. Allele origin: germline. Affected: yes. Observed: 1 variant allele.
Comment: COL6A5: BP4

NM_001278298.2(COL6A5):c.5810G>A (p.Arg1937His)

Gene: COL6A5 (collagen type VI alpha 5 chain; plus strand). Cytogenetic location: 3q22.1.
Variant type: single nucleotide variant.
Coding change: c.5810G>A on transcript NM_001278298.2 (MANE Select); coding-DNA position 5810, G replaced by A.
Protein change: p.Arg1937His; replaces arginine 1937 with histidine.
Molecular consequence: missense variant. On other transcripts: non-coding transcript variant (1).
Genome position (GRCh38, 1-based): chr3:130,439,598, G>A. VCF-style: chr3-130439598-G-A. GRCh37 (hg19) VCF-style: chr3-130158442-G-A.
Other names: c.5810G>A, p.Arg1937His (NM_001412157.1, NM_153264.7); short protein forms R1937H.
Identifiers: ClinVar variation 2672960 (VCV002672960.23), dbSNP rs1001830798, ClinGen allele CA82675797.
Genomic context (GRCh38, chr3:130,439,598, plus strand): 5'-CATTTCAGGTGATTCCAGTTCCTCCAAATGGGGAAAATCAAACATTAGAAAGACTTCGGC[G>A]CTGTGCACTTTGCTATGGTAAGACCAATGAAGAGAATTGACTGTGCTGAAGAGCTTAAAT-3'
Protein context (NP_001265227.1, residues 1927-1947): GENQTLERLR[Arg1937His]CALCYDKCFP